The following is an entry in ClinVar:

NM_182919.4(TICAM1):c.1874C>T (p.Pro625Leu)

Gene: TICAM1 (TIR domain containing adaptor molecule 1; minus strand). Cytogenetic location: 19p13.3.
Variant type: single nucleotide variant.
Coding change: c.1874C>T on transcript NM_182919.4 (MANE Select); coding-DNA position 1874, C replaced by T.
Protein change: p.Pro625Leu; replaces proline 625 with leucine.
Molecular consequence: missense variant.
Genome position (GRCh38, 1-based): chr19:4,816,504, G>A on the plus strand (C>T on the coding strand, the complement: TICAM1 is on the minus strand). VCF-style: chr19-4816504-G-A. GRCh37 (hg19) VCF-style: chr19-4816516-G-A.
Other names: c.1832C>T, p.Pro611Leu (NM_001385678.1); c.1739C>T, p.Pro580Leu (NM_001385679.1); c.1232C>T, p.Pro411Leu (NM_001385680.1); short protein forms P611L, P411L, P580L, P625L.
Identifiers: ClinVar variation 2756612 (VCV002756612.3), dbSNP rs760042063, ClinGen allele CA9105049.

ClinVar aggregate classification (germline): Uncertain significance (1 of 4 stars; one submission).

Conditions:
Encephalopathy, acute, infection-induced (herpes-specific), susceptibility to, 6. Also called: Herpes simplex encephalitis, susceptibility to, 4. Identifiers: Orphanet 1930, MedGen C3553869, MONDO:0013921, OMIM 614850.

Allele frequency attached by ClinVar (database versions not stated): gnomAD 0.00001; gnomAD exomes 0.00001; TOPMed 0.00001; ExAC 0.00002.
gnomAD v4.1: 17 of 1,582,764 alleles (0.0011%); highest among the groups gnomAD compares: East Asian, 0.0089%; no homozygotes.

Submission:

Labcorp Genetics (formerly Invitae), Labcorp
Classification: Uncertain significance for Encephalopathy, acute, infection-induced (herpes-specific), susceptibility to, 6. Last evaluated: 2025-12-23. Review status: criteria provided, single submitter. Criteria: Invitae Variant Classification Sherloc (09022015). Collection method: clinical testing. Allele origin: germline.
Comment: This sequence change replaces proline, which is neutral and non-polar, with leucine, which is neutral and non-polar, at codon 625 of the TICAM1 protein (p.Pro625Leu). This variant is present in population databases (rs760042063, gnomAD 0.01%). This variant has not been reported in the literature in individuals affected with TICAM1-related conditions. ClinVar contains an entry for this variant (Variation ID: 2756612). An algorithm developed to predict the effect of missense changes on protein structure and function outputs the following: PolyPhen-2: "Benign". The leucine amino acid residue is found in multiple mammalian species, which suggests that this missense change does not adversely affect protein function. In summary, the available evidence is currently insufficient to determine the role of this variant in disease. Therefore, it has been classified as a Variant of Uncertain Significance.